The following is an entry in ClinVar:

NM_006922.4(SCN3A):c.5395A>C (p.Lys1799Gln)

Gene: SCN3A (sodium voltage-gated channel alpha subunit 3; minus strand). Cytogenetic location: 2q24.3.
Variant type: single nucleotide variant.
Coding change: c.5395A>C on transcript NM_006922.4 (MANE Select); coding-DNA position 5395, A replaced by C.
Protein change: p.Lys1799Gln; replaces lysine 1799 with glutamine.
Molecular consequence: missense variant.
Genome position (GRCh38, 1-based): chr2:165,090,758, T>G on the plus strand (A>C on the coding strand, the complement: SCN3A is on the minus strand). VCF-style: chr2-165090758-T-G. GRCh37 (hg19) VCF-style: chr2-165947268-T-G.
Other names: c.5248A>C, p.Lys1750Gln (NM_001081676.2, NM_001081677.2); short protein forms K1750Q, K1799Q.
Identifiers: ClinVar variation 960589 (VCV000960589.11), dbSNP rs1170839078, ClinGen allele CA349015162.

ClinVar aggregate classification (germline): Uncertain significance (1 of 4 stars; one submission).

Allele frequency attached by ClinVar (database versions not stated): gnomAD 0.00001; gnomAD exomes 0.00001; TOPMed 0.00001.
gnomAD v4.1: 15 of 1,613,928 alleles (0.00093%); highest among the groups gnomAD compares: Non-Finnish European, 0.0012%; no homozygotes.

Submissions (2):

Labcorp Genetics (formerly Invitae), Labcorp
Classification: Uncertain significance. Last evaluated: 2022-08-22. Review status: criteria provided, single submitter. Criteria: Invitae Variant Classification Sherloc (09022015). Collection method: clinical testing. Allele origin: germline.
Comment: Algorithms developed to predict the effect of missense changes on protein structure and function are either unavailable or do not agree on the potential impact of this missense change (SIFT: "Deleterious"; PolyPhen-2: "Probably Damaging"; Align-GVGD: "Class C0"). Experimental studies have shown that this missense change does not substantially affect SCN3A function (PMID: 29466837). In summary, the available evidence is currently insufficient to determine the role of this variant in disease. Therefore, it has been classified as a Variant of Uncertain Significance. ClinVar contains an entry for this variant (Variation ID: 960589). This sequence change replaces lysine, which is basic and polar, with glutamine, which is neutral and polar, at codon 1799 of the SCN3A protein (p.Lys1799Gln). This variant is not present in population databases (gnomAD no frequency). This missense change has been observed in individual(s) with epileptic encephalopathy (PMID: 29466837).

Channelopathy-Associated Epilepsy Research Center
No classification provided (evidence only). Condition: Developmental and epileptic encephalopathy. Review status: no classification provided. Collection method: literature only. Allele origin: not applicable. Functional consequence: Normal slope of activation, Normal voltage dependence of activation, Normal voltage dependence of fast inactivation, Normal persistent current, Normal peak current, Normal slope of fast inactivation, Overall normal function. Not counted in ClinVar's aggregate classification.
ClinVar note: "not provided" was previously submitted as the classification for the variant. However, the classification appeared to be based only on an observation of functional data so it was converted to no classification on 2025-07-30.

Literature cited by the submitters: PubMed 29466837 (cited by Labcorp Genetics (formerly Invitae), Labcorp and Channelopathy-Associated Epilepsy Research Center).